The following is an entry in ClinVar:

ClinVar aggregate classification (germline): Uncertain significance. Review status: criteria provided, multiple submitters, no conflicts (2 of 4 stars). 2 submissions from 2 submitters: Uncertain significance (2). Last evaluated 2025-08-25.

Conditions:
Tuberous sclerosis 1 (TSC1). Identifiers: Orphanet 805, MedGen C1854465, MONDO:0008612, OMIM 191100.
Hereditary cancer-predisposing syndrome. Also called: Neoplastic Syndromes, Hereditary; Hereditary neoplastic syndrome; Tumor predisposition; Hereditary Cancer Syndrome. Identifiers: Orphanet 140162, MedGen C0027672, MeSH D009386, MONDO:0015356.

Allele frequency attached by ClinVar (database versions not stated): gnomAD exomes below 0.00001.
gnomAD v4.1: 1 of 1,613,820 alleles (0.000062%); highest among the groups gnomAD compares: Non-Finnish European, 0.000085%; no homozygotes.

Submissions (2):

Labcorp Genetics (formerly Invitae), Labcorp
Classification: Uncertain significance for Tuberous sclerosis 1. Last evaluated: 2025-08-25. Review status: criteria provided, single submitter. Criteria: Invitae Variant Classification Sherloc (09022015). Collection method: clinical testing. Allele origin: germline.
Comment: This sequence change replaces histidine, which is basic and polar, with arginine, which is basic and polar, at codon 699 of the TSC1 protein (p.His699Arg). This variant is not present in population databases (gnomAD no frequency). This variant has not been reported in the literature in individuals affected with TSC1-related conditions. ClinVar contains an entry for this variant (Variation ID: 840411). Invitae Evidence Modeling of protein sequence and biophysical properties (such as structural, functional, and spatial information, amino acid conservation, physicochemical variation, residue mobility, and thermodynamic stability) indicates that this missense variant is not expected to disrupt TSC1 protein function with a negative predictive value of 95%. In summary, the available evidence is currently insufficient to determine the role of this variant in disease. Therefore, it has been classified as a Variant of Uncertain Significance.

Ambry Genetics
Classification: Uncertain significance for Hereditary cancer-predisposing syndrome. Last evaluated: 2024-04-06. Review status: criteria provided, single submitter. Criteria: Ambry Variant Classification Scheme 2023. Collection method: clinical testing. Allele origin: germline.
Comment: The p.H699R variant (also known as c.2096A>G), located in coding exon 15 of the TSC1 gene, results from an A to G substitution at nucleotide position 2096. The histidine at codon 699 is replaced by arginine, an amino acid with highly similar properties. This amino acid position is conserved. In addition, this alteration is predicted to be deleterious by in silico analysis. Based on the available evidence, the clinical significance of this variant remains unclear.

NM_000368.5(TSC1):c.2096A>G (p.His699Arg)

Gene: TSC1 (TSC complex subunit 1; minus strand). Cytogenetic location: 9q34.13.
Variant type: single nucleotide variant.
Coding change: c.2096A>G on transcript NM_000368.5 (MANE Select); coding-DNA position 2096, A replaced by G.
Protein change: p.His699Arg; replaces histidine 699 with arginine.
Molecular consequence: missense variant.
Genome position (GRCh38, 1-based): chr9:132,903,763, T>C on the plus strand (A>G on the coding strand, the complement: TSC1 is on the minus strand). VCF-style: chr9-132903763-T-C. GRCh37 (hg19) VCF-style: chr9-135779150-T-C.
Other names: c.2093A>G, p.His698Arg (NM_001162426.2); c.1943A>G, p.His648Arg (NM_001162427.2); c.1733A>G, p.His578Arg (NM_001362177.2); short protein forms H648R, H698R, H578R, H699R.
Identifiers: ClinVar variation 840411 (VCV000840411.10), dbSNP rs1845505398, ClinGen allele CA375361065.
Genomic context (GRCh38, chr9:132,903,763, plus strand): 5'-AGCCGCCTGTTCCGGAGGGCATGCTGCTGCCTCTTAAAACGCTCATAGAGTAACTGGTTG[T>C]GCAGTAAAAGCAACTGGTCTCGGAGGGTGCGGATCTCATCTGAAGGAGGAGAGCCTGATT-3'
Protein context (NP_000359.1, residues 689-709): RTLRDQLLLL[His699Arg]NQLLYERFKR